The following is an entry in ClinVar:

ClinVar aggregate classification (germline): Uncertain significance. Review status: criteria provided, multiple submitters, no conflicts (2 of 4 stars). 7 submissions from 7 submitters: Uncertain significance (6). 1 of the submissions does not count toward it. Last evaluated 2026-01-13.

Conditions:
PKP2-related disorder. Also called: PKP2-related condition.
Arrhythmogenic right ventricular cardiomyopathy (ARVD). Also called: Cardiomyopathy, ARVC; Arrhythmogenic right ventricular dysplasia; Arrhythmogenic cardiomyopathy; Arrhythmogenic Right Ventricular Cardiomyopathy (ARVC). Identifiers: Orphanet 247, MedGen C0349788, MeSH D019571, MONDO:0016587. Disease mechanism: loss of function. Inheritance: Various modes of inheritance.
Cardiomyopathy (CMYO). Also called: Cardiomyopathies. Identifiers: Orphanet 167848, MedGen C0878544, MONDO:0004994, HP:0001638. Inheritance: Various modes of inheritance.
Arrhythmogenic right ventricular dysplasia 9 (ARVD9). Also called: Arrhythmogenic Right Ventricular Dysplasia/Cardiomyopathy 9; ARRHYTHMOGENIC RIGHT VENTRICULAR DYSPLASIA, FAMILIAL, 9. Identifiers: MedGen C1836906, MONDO:0012180, OMIM 609040.
Cardiovascular phenotype. Identifiers: MedGen CN230736.

gnomAD v4.1: 3 of 1,610,572 alleles (0.00019%); no homozygotes.

Submissions (7):

Labcorp Genetics (formerly Invitae), Labcorp
Classification: Uncertain significance for Arrhythmogenic right ventricular dysplasia 9. Last evaluated: 2026-01-13. Review status: criteria provided, single submitter. Criteria: Invitae Variant Classification Sherloc (09022015). Collection method: clinical testing. Allele origin: germline.
Comment: This sequence change replaces glycine, which is neutral and non-polar, with serine, which is neutral and polar, at codon 569 of the PKP2 protein (p.Gly569Ser). This variant is not present in population databases (gnomAD no frequency). This variant has not been reported in the literature in individuals affected with PKP2-related conditions. ClinVar contains an entry for this variant (Variation ID: 927969). An algorithm developed to predict the effect of missense changes on protein structure and function (PolyPhen-2) suggests that this variant is likely to be disruptive. In summary, the available evidence is currently insufficient to determine the role of this variant in disease. Therefore, it has been classified as a Variant of Uncertain Significance.

Color Diagnostics, LLC DBA Color Health
Classification: Uncertain significance for Cardiomyopathy. Last evaluated: 2024-09-23. Review status: criteria provided, single submitter. Criteria: ACMG Guidelines, 2015. Collection method: clinical testing. Allele origin: germline.
Comment: This missense variant replaces glycine with serine at codon 569 of the PKP2 protein. Computational prediction is inconclusive regarding the impact of this variant on protein structure and function. To our knowledge, functional studies have not been performed for this variant. This variant has not been reported in individuals affected with cardiovascular disorders in the literature. This variant has not been identified in the general population by the Genome Aggregation Database (gnomAD). The available evidence is insufficient to determine the role of this variant in disease conclusively. Therefore, this variant is classified as a Variant of Uncertain Significance.

GeneDx
Classification: Uncertain significance. Last evaluated: 2024-06-13. Review status: criteria provided, single submitter. Criteria: GeneDx Variant Classification Process June 2021. Collection method: clinical testing. Allele origin: germline. Affected: yes.
Comment: Not observed at significant frequency in large population cohorts (gnomAD); In silico analysis supports that this missense variant has a deleterious effect on protein structure/function; Has not been previously published as pathogenic or benign to our knowledge

All of Us Research Program, National Institutes of Health
Classification: Uncertain significance for Arrhythmogenic right ventricular cardiomyopathy. Last evaluated: 2024-04-16. Review status: criteria provided, single submitter. Criteria: ACMG Guidelines, 2015. Collection method: clinical testing. Allele origin: germline. Inheritance: Autosomal dominant inheritance. Observed: 5 variant alleles, 5 heterozygotes.
Comment: This missense variant replaces glycine with serine at codon 569 of the PKP2 protein. Computational prediction is inconclusive regarding the impact of this variant on protein structure and function (internally defined REVEL score threshold 0.5 < inconclusive < 0.7, PMID: 27666373). Splice site prediction tools suggest that this variant may not impact RNA splicing. To our knowledge, functional studies have not been performed for this variant. This variant has not been reported in individuals affected with cardiovascular disorders in the literature. This variant has not been identified in the general population by the Genome Aggregation Database (gnomAD). The available evidence is insufficient to determine the role of this variant in disease conclusively. Therefore, this variant is classified as a Variant of Uncertain Significance.

This study involves interpretation of variants in research participants for the purpose of population health screening. Participant phenotype was not available at the time of variant classification. Additional details can be found in publication PMID: 35346344, PMCID: PMC8962531

Ambry Genetics
Classification: Uncertain significance for Cardiovascular phenotype. Last evaluated: 2023-07-27. Review status: criteria provided, single submitter. Criteria: Ambry Variant Classification Scheme 2023. Collection method: clinical testing. Allele origin: germline.
Comment: The p.G569S variant (also known as c.1705G>A), located in coding exon 8 of the PKP2 gene, results from a G to A substitution at nucleotide position 1705. The glycine at codon 569 is replaced by serine, an amino acid with similar properties. This amino acid position is conserved. In addition, this alteration is predicted to be deleterious by in silico analysis. Since supporting evidence is limited at this time, the clinical significance of this alteration remains unclear.

Blueprint Genetics
Classification: Uncertain significance. Last evaluated: 2019-10-24. Review status: criteria provided, single submitter. Criteria: ACMG Guidelines, 2015. Collection method: clinical testing. Allele origin: germline.

PreventionGenetics, part of Exact Sciences
Classification: Uncertain significance for PKP2-related condition. Last evaluated: 2023-12-04. Review status: no assertion criteria provided. Collection method: clinical testing. Allele origin: germline. Not counted in ClinVar's aggregate classification.
Comment: The PKP2 c.1705G>A variant is predicted to result in the amino acid substitution p.Gly569Ser. To our knowledge, this variant has not been reported in the literature or in a large population database, indicating this variant is rare. At this time, the clinical significance of this variant is uncertain due to the absence of conclusive functional and genetic evidence.

NM_001005242.3(PKP2):c.1573G>A (p.Gly525Ser)

Gene: PKP2 (plakophilin 2; minus strand). Cytogenetic location: 12p11.21.
Variant type: single nucleotide variant.
Coding change: c.1573G>A on transcript NM_001005242.3 (MANE Select); coding-DNA position 1573, G replaced by A.
Protein change: p.Gly525Ser; replaces glycine 525 with serine.
Molecular consequence: missense variant.
Genome position (GRCh38, 1-based): chr12:32,824,146, C>T on the plus strand (G>A on the coding strand, the complement: PKP2 is on the minus strand). VCF-style: chr12-32824146-C-T. GRCh37 (hg19) VCF-style: chr12-32977080-C-T.
Other names: c.1705G>A, p.Gly569Ser (NM_004572.4); short protein forms G569S, G525S.
Identifiers: ClinVar variation 927969 (VCV000927969.16), dbSNP rs1956410714, ClinGen allele CA384365048.
Genomic context (GRCh38, chr12:32,824,146, plus strand): 5'-AATGGACCAGTGAGTCAATGAGTCCGTCACATCTTCTCATCGCTTTTCTCCCATCAGCGC[C>T]AGCAGAACTCATGTTTCTATCAGAAAAAACAAAAAACAAAAAAGTAAGTCTAGGCTGTGT-3'
Protein context (NP_001005242.2, residues 515-535): TGCLRNMSSA[Gly525Ser]ADGRKAMRRC